The following is an entry in ClinVar:

ClinVar aggregate classification (germline): Pathogenic/Likely pathogenic. Review status: criteria provided, multiple submitters, no conflicts (2 of 4 stars). 3 submissions from 3 submitters: Pathogenic (2); Likely pathogenic (1). Last evaluated 2025-08-05.

Conditions:
Cystic fibrosis (CF). Also called: MUCOVISCIDOSIS. Identifiers: Orphanet 586, MedGen C0010674, MONDO:0009061, OMIM 219700. Disease mechanism: loss of function.
CFTR-related disorder (CFTR-RD). Also called: CFTR-related disorders; CFTR-related condition. Identifiers: MedGen C5924204, MONDO:7770004.

Submissions (3):

Natera, Inc.
Classification: Likely pathogenic for CFTR-related disorders. Last evaluated: 2025-08-05. Review status: criteria provided, single submitter. Criteria: Natera Variant Classification Schema (03/2026). Collection method: clinical testing. Allele origin: germline.
Comment: The c.2872C>T variant in CFTR is a nonsense variant predicted to introduce a stop codon at amino acid 958. This variant is expected to result in nonsense mediated decay, truncation, or a dysfunctional protein product. This variant is rare in the general population with a frequency below the threshold expected for the associated phenotype(s). Given the available evidence, this variant is classified as Likely Pathogenic.

Women's Health and Genetics/Laboratory Corporation of America, LabCorp
Classification: Pathogenic for Cystic fibrosis. Last evaluated: 2025-06-16. Review status: criteria provided, single submitter. Criteria: LabCorp Variant Classification Summary - May 2015. Collection method: clinical testing. Allele origin: germline.
Comment: Variant summary: CFTR c.2872C>T (p.Gln958X) results in a premature termination codon, predicted to cause a truncation of the encoded protein or absence of the protein due to nonsense mediated decay, which are commonly known mechanisms for disease. The variant was absent in 251356 control chromosomes. To our knowledge, no occurrence of c.2872C>T in individuals affected with Cystic Fibrosis and no experimental evidence demonstrating its impact on protein function have been reported. ClinVar contains an entry for this variant (Variation ID: 1400413). Based on the evidence outlined above, the variant was classified as pathogenic.

Labcorp Genetics (formerly Invitae), Labcorp
Classification: Pathogenic for Cystic fibrosis. Last evaluated: 2021-10-10. Review status: criteria provided, single submitter. Criteria: Invitae Variant Classification Sherloc (09022015). Collection method: clinical testing. Allele origin: germline.
Comment: This sequence change creates a premature translational stop signal (p.Gln958*) in the CFTR gene. It is expected to result in an absent or disrupted protein product. Loss-of-function variants in CFTR are known to be pathogenic (PMID: 1695717, 7691345, 9725922). This variant is not present in population databases (ExAC no frequency). For these reasons, this variant has been classified as Pathogenic. This variant has not been reported in the literature in individuals affected with CFTR-related conditions.

Literature cited by the submitters: PubMed 1695717 (cited by Labcorp Genetics (formerly Invitae), Labcorp); PubMed 7691345 (cited by Labcorp Genetics (formerly Invitae), Labcorp); PubMed 9725922 (cited by Labcorp Genetics (formerly Invitae), Labcorp).

NM_000492.4(CFTR):c.2872C>T (p.Gln958Ter)

Gene: CFTR (CF transmembrane conductance regulator; plus strand). Cytogenetic location: 7q31.2.
Variant type: single nucleotide variant.
Coding change: c.2872C>T on transcript NM_000492.4 (MANE Select); coding-DNA position 2872, C replaced by T.
Protein change: p.Gln958Ter; replaces glutamine 958 with a stop codon.
Molecular consequence: nonsense.
Genome position (GRCh38, 1-based): chr7:117,603,746, C>T. VCF-style: chr7-117603746-C-T. GRCh37 (hg19) VCF-style: chr7-117243800-C-T.
Other names: c.2872C>T (NM_000492.3); short protein forms Q958*.
Identifiers: ClinVar variation 1400413 (VCV001400413.8), dbSNP rs2116062284, ClinGen allele CA368987434.